The following is an entry in ClinVar:

NM_001042492.3(NF1):c.6028G>A (p.Val2010Ile)

Gene: NF1 (neurofibromin 1; plus strand). Cytogenetic location: 17q11.2.
Variant type: single nucleotide variant.
Coding change: c.6028G>A on transcript NM_001042492.3 (MANE Select); coding-DNA position 6028, G replaced by A.
Protein change: p.Val2010Ile; replaces valine 2010 with isoleucine.
Molecular consequence: missense variant.
Genome position (GRCh38, 1-based): chr17:31,336,354, G>A. VCF-style: chr17-31336354-G-A. GRCh37 (hg19) VCF-style: chr17-29663372-G-A.
Other names: c.5965G>A, p.Val1989Ile (NM_000267.4); short protein forms V2010I, V1989I.
Identifiers: ClinVar variation 2805461 (VCV002805461.3), dbSNP rs2151553210, ClinGen allele CA399011040.

ClinVar aggregate classification (germline): Uncertain significance (1 of 4 stars; one submission).

Conditions:
Neurofibromatosis, type 1 (NF1). Also called: NEUROFIBROMATOSIS, TYPE I, SOMATIC; Peripheral type neurofibromatosis; VON RECKLINGHAUSEN DISEASE; Neurofibromatosis, type I. Identifiers: Orphanet 636, MedGen C0027831, MONDO:0018975, OMIM 162200. Disease mechanism: loss of function.

Submission:

Labcorp Genetics (formerly Invitae), Labcorp
Classification: Uncertain significance for Neurofibromatosis, type 1. Last evaluated: 2024-11-11. Review status: criteria provided, single submitter. Criteria: Invitae Variant Classification Sherloc (09022015). Collection method: clinical testing. Allele origin: germline.
Comment: This sequence change replaces valine, which is neutral and non-polar, with isoleucine, which is neutral and non-polar, at codon 1989 of the NF1 protein (p.Val1989Ile). This variant is not present in population databases (gnomAD no frequency). This variant has not been reported in the literature in individuals affected with NF1-related conditions. ClinVar contains an entry for this variant (Variation ID: 2805461). Invitae Evidence Modeling of protein sequence and biophysical properties (such as structural, functional, and spatial information, amino acid conservation, physicochemical variation, residue mobility, and thermodynamic stability) has been performed for this missense variant. However, the output from this modeling did not meet the statistical confidence thresholds required to predict the impact of this variant on NF1 protein function. In summary, the available evidence is currently insufficient to determine the role of this variant in disease. Therefore, it has been classified as a Variant of Uncertain Significance.